The following is an entry in ClinVar:

ClinVar aggregate classification (germline): Uncertain significance. Review status: criteria provided, multiple submitters, no conflicts (2 of 4 stars). 2 submissions from 2 submitters: Uncertain significance (2). Last evaluated 2025-04-17.

Conditions:
Inborn genetic diseases. Identifiers: MedGen C0950123, MeSH D030342.
Baller-Gerold syndrome (BGS). Also called: CRANIOSYNOSTOSIS WITH RADIAL DEFECTS. Identifiers: Orphanet 1225, MedGen C0265308, MONDO:0009039, OMIM 218600.

gnomAD v4.1: 4 of 1,597,118 alleles (0.00025%); highest among the groups gnomAD compares: South Asian, 0.0011%; no homozygotes.

Submissions (2):

Labcorp Genetics (formerly Invitae), Labcorp
Classification: Uncertain significance for Baller-Gerold syndrome. Last evaluated: 2025-04-17. Review status: criteria provided, single submitter. Criteria: Invitae Variant Classification Sherloc (09022015). Collection method: clinical testing. Allele origin: germline.
Comment: This sequence change replaces arginine, which is basic and polar, with cysteine, which is neutral and slightly polar, at codon 50 of the RECQL4 protein (p.Arg50Cys). This variant is not present in population databases (gnomAD no frequency). This variant has not been reported in the literature in individuals affected with RECQL4-related conditions. ClinVar contains an entry for this variant (Variation ID: 657157). Experimental studies and prediction algorithms are not available or were not evaluated, and the functional significance of this variant is currently unknown. In summary, the available evidence is currently insufficient to determine the role of this variant in disease. Therefore, it has been classified as a Variant of Uncertain Significance.

Ambry Genetics
Classification: Uncertain significance for Inborn genetic diseases. Last evaluated: 2024-11-21. Review status: criteria provided, single submitter. Criteria: Ambry Variant Classification Scheme 2023. Collection method: clinical testing. Allele origin: germline.
Comment: The p.R50C variant (also known as c.148C>T), located in coding exon 3 of the RECQL4 gene, results from a C to T substitution at nucleotide position 148. The arginine at codon 50 is replaced by cysteine, an amino acid with highly dissimilar properties. This amino acid position is conserved. In addition, this alteration is predicted to be tolerated by in silico analysis. Based on the available evidence, the clinical significance of this variant remains unclear.

NM_004260.4(RECQL4):c.148C>T (p.Arg50Cys)

Genes: RECQL4 (RecQ like helicase 4; minus strand), LOC130001411 (ATAC-STARR-seq lymphoblastoid silent region 19699; plus strand). Cytogenetic location: 8q24.3.
Variant type: single nucleotide variant.
Coding change: c.148C>T on transcript NM_004260.4 (MANE Select); coding-DNA position 148, C replaced by T.
Protein change: p.Arg50Cys; replaces arginine 50 with cysteine.
Molecular consequence: missense variant.
Genome position (GRCh38, 1-based): chr8:144,517,479, G>A on the plus strand (C>T on the coding strand, the complement: RECQL4 is on the minus strand). VCF-style: chr8-144517479-G-A. GRCh37 (hg19) VCF-style: chr8-145742863-G-A.
Other names: short protein forms R50C.
Identifiers: ClinVar variation 657157 (VCV000657157.7), dbSNP rs1325079305, ClinGen allele CA372692699.